The following is an entry in ClinVar:

NM_000334.4(SCN4A):c.4474G>A (p.Val1492Ile)

Genes: GH-LCR (growth hormone locus control region; plus strand), SCN4A (sodium voltage-gated channel alpha subunit 4; minus strand). Cytogenetic location: 17q23.3.
Variant type: single nucleotide variant.
Coding change: c.4474G>A on transcript NM_000334.4 (MANE Select); coding-DNA position 4474, G replaced by A.
Protein change: p.Val1492Ile; replaces valine 1492 with isoleucine.
Molecular consequence: missense variant.
Genome position (GRCh38, 1-based): chr17:63,941,808, C>T on the plus strand (G>A on the coding strand, the complement: SCN4A is on the minus strand). VCF-style: chr17-63941808-C-T. GRCh37 (hg19) VCF-style: chr17-62019168-C-T.
Other names: short protein forms V1492I.
Identifiers: ClinVar variation 3655208 (VCV003655208.2).

ClinVar aggregate classification (germline): Uncertain significance (1 of 4 stars; one submission).

Conditions:
Hyperkalemic periodic paralysis. Also called: Familial hyperkalemic periodic paralysis; Gamstorp disease. Identifiers: Orphanet 682, MedGen C0238357, MONDO:0008224, OMIM 170500, HP:0007215.

gnomAD v4.1: 1 of 1,614,152 alleles (0.000062%); highest among the groups gnomAD compares: Non-Finnish European, 0.000085%; no homozygotes.

Submission:

Labcorp Genetics (formerly Invitae), Labcorp
Classification: Uncertain significance for Hyperkalemic periodic paralysis. Last evaluated: 2024-06-06. Review status: criteria provided, single submitter. Criteria: Invitae Variant Classification Sherloc (09022015). Collection method: clinical testing. Allele origin: germline.
Comment: This sequence change replaces valine, which is neutral and non-polar, with isoleucine, which is neutral and non-polar, at codon 1492 of the SCN4A protein (p.Val1492Ile). This variant is not present in population databases (gnomAD no frequency). This variant has not been reported in the literature in individuals affected with SCN4A-related conditions. Advanced modeling of protein sequence and biophysical properties (such as structural, functional, and spatial information, amino acid conservation, physicochemical variation, residue mobility, and thermodynamic stability) performed at Invitae indicates that this missense variant is not expected to disrupt SCN4A protein function with a negative predictive value of 95%. In summary, the available evidence is currently insufficient to determine the role of this variant in disease. Therefore, it has been classified as a Variant of Uncertain Significance.